The following is an entry in ClinVar:

ClinVar aggregate classification (germline): Uncertain significance. Review status: criteria provided, multiple submitters, no conflicts (2 of 4 stars). 2 submissions from 2 submitters: Uncertain significance (2). Last evaluated 2022-05-08.

Conditions:
Hereditary cancer-predisposing syndrome. Also called: Hereditary Cancer Syndrome; Hereditary neoplastic syndrome; Neoplastic Syndromes, Hereditary; Tumor predisposition. Identifiers: Orphanet 140162, MedGen C0027672, MeSH D009386, MONDO:0015356.
Familial cancer of breast. Also called: BREAST CANCER, FAMILIAL; hereditary breast carcinoma; Hereditary breast cancer. Identifiers: Orphanet 227535, MedGen C0346153, MONDO:0016419, OMIM 114480. Disease mechanism: loss of function.

Submissions (2):

Labcorp Genetics (formerly Invitae), Labcorp
Classification: Uncertain significance for Familial cancer of breast. Last evaluated: 2022-05-08. Review status: criteria provided, single submitter. Criteria: Invitae Variant Classification Sherloc (09022015). Collection method: clinical testing. Allele origin: germline.
Comment: In summary, the available evidence is currently insufficient to determine the role of this variant in disease. Therefore, it has been classified as a Variant of Uncertain Significance. Algorithms developed to predict the effect of missense changes on protein structure and function are either unavailable or do not agree on the potential impact of this missense change (SIFT: "Deleterious"; PolyPhen-2: "Probably Damaging"; Align-GVGD: "Class C0"). This variant has not been reported in the literature in individuals affected with CHEK2-related conditions. This variant is not present in population databases (gnomAD no frequency). This sequence change replaces glycine, which is neutral and non-polar, with valine, which is neutral and non-polar, at codon 443 of the CHEK2 protein (p.Gly443Val).

Ambry Genetics
Classification: Uncertain significance for Hereditary cancer-predisposing syndrome. Last evaluated: 2021-03-17. Review status: criteria provided, single submitter. Criteria: Ambry Variant Classification Scheme 2023. Collection method: clinical testing. Allele origin: germline.
Comment: The p.G443V variant (also known as c.1328G>T), located in coding exon 11 of the CHEK2 gene, results from a G to T substitution at nucleotide position 1328. The glycine at codon 443 is replaced by valine, an amino acid with dissimilar properties. This amino acid position is highly conserved in available vertebrate species. In addition, this alteration is predicted to be deleterious by in silico analysis. Since supporting evidence is limited at this time, the clinical significance of this alteration remains unclear.

NM_007194.4(CHEK2):c.1328G>T (p.Gly443Val)

Gene: CHEK2 (checkpoint kinase 2; minus strand). Cytogenetic location: 22q12.1.
Variant type: single nucleotide variant.
Coding change: c.1328G>T on transcript NM_007194.4 (MANE Select); coding-DNA position 1328, G replaced by T.
Protein change: p.Gly443Val; replaces glycine 443 with valine.
Molecular consequence: missense variant.
Genome position (GRCh38, 1-based): chr22:28,695,174, C>A on the plus strand (G>T on the coding strand, the complement: CHEK2 is on the minus strand). VCF-style: chr22-28695174-C-A. GRCh37 (hg19) VCF-style: chr22-29091162-C-A.
Other names: c.1457G>T, p.Gly486Val (NM_001005735.3); c.665G>T, p.Gly222Val (NM_001257387.3); c.1127G>T, p.Gly376Val (NM_001349956.3); c.1241G>T, p.Gly414Val (NM_145862.3); short protein forms G222V, G443V, G376V, G414V, G486V.
Identifiers: ClinVar variation 1770061 (VCV001770061.7), dbSNP rs2145794064, ClinGen allele CA411095832.
Genomic context (GRCh38, chr22:28,695,174, plus strand): 5'-TTCATATTCATACCTTTCTCTGAGACTTCTGCCCAGACTTCAGGAATGAAGTTGTATTTT[C>A]CACTGGTGATCTGATCCTTCAGTGACACTTGAGTCCTATGCTCAGAGAAAGGTGGATACC-3'
Protein context (NP_009125.1, residues 433-453): QVSLKDQITS[Gly443Val]KYNFIPEVWA